The following is an entry in ClinVar:

ClinVar aggregate classification (germline): Conflicting classifications of pathogenicity. Review status: criteria provided, conflicting classifications (1 of 4 stars). 8 submissions from 7 submitters: Uncertain significance (2); Benign (1); Likely benign (5). Last evaluated 2026-01-21.

Conditions:
Retinitis pigmentosa (RP). Identifiers: Orphanet 791, MedGen C0035334, MeSH D012174, MONDO:0019200, OMIM 268000. Inheritance: Autosomal dominant, autosomal recessive and X linked inheritance.
Bardet-Biedl syndrome (BBS). Identifiers: Orphanet 110, MedGen C0752166, MONDO:0015229.
Bardet-Biedl syndrome 8 (BBS8). Identifiers: Orphanet 110, MedGen C1859566, MONDO:0014436, OMIM 615985.

Allele frequency attached by ClinVar (database versions not stated): gnomAD 0.00026 and 0.00035; TOPMed 0.00030; ESP Exome Variant Server 0.00046; gnomAD exomes 0.00061 and 0.00081; ExAC 0.00090; 1000 Genomes Project 0.00100; 1000 Genomes Project 30x 0.00109.
gnomAD v4.1: 942 of 1,613,556 alleles (0.058%); highest among the groups gnomAD compares: South Asian, 0.41%; 10 homozygotes.

Submissions (8):

Labcorp Genetics (formerly Invitae), Labcorp
Classification: Benign for Bardet-Biedl syndrome. Last evaluated: 2026-01-21. Review status: criteria provided, single submitter. Criteria: Invitae Variant Classification Sherloc (09022015). Collection method: clinical testing. Allele origin: germline.

Mayo Clinic Laboratories, Mayo Clinic
Classification: Likely benign. Last evaluated: 2025-09-12. Review status: criteria provided, single submitter. Criteria: ACMG Guidelines, 2015. Collection method: clinical testing. Allele origin: germline. Observed: 1 variant allele.
Comment: BS1, BP4, BP7

Laboratory of Genetics, Children's Clinical University Hospital Latvia
Classification: Likely benign. Last evaluated: 2025-02-16. Review status: criteria provided, single submitter. Criteria: ACMG Guidelines, 2015. Collection method: clinical testing. Allele origin: germline. Affected: yes.

Blueprint Genetics
Classification: Likely benign. Last evaluated: 2024-08-14. Review status: criteria provided, single submitter. Criteria: ACMG Guidelines, 2015. Collection method: clinical testing. Allele origin: germline.

CeGaT Center for Human Genetics Tuebingen
Classification: Likely benign. Last evaluated: 2021-05-01. Review status: criteria provided, single submitter. Criteria: CeGaT Center For Human Genetics Tuebingen Variant Classification Criteria Version 2. Collection method: clinical testing. Allele origin: germline. Affected: yes. Observed: 1 variant allele.

Illumina Laboratory Services, Illumina
Classification: Uncertain significance for Bardet-Biedl syndrome 8. Last evaluated: 2018-01-12. Review status: criteria provided, single submitter. Criteria: ICSL Variant Classification Criteria 13 December 2019. Collection method: clinical testing. Allele origin: germline.

Illumina Laboratory Services, Illumina
Classification: Uncertain significance for Retinitis pigmentosa. Last evaluated: 2018-01-12. Review status: criteria provided, single submitter. Criteria: ICSL Variant Classification Criteria 13 December 2019. Collection method: clinical testing. Allele origin: germline.

PreventionGenetics, part of Exact Sciences
Classification: Likely benign. Review status: criteria provided, single submitter. Criteria: ACMG Guidelines, 2015. Collection method: clinical testing. Allele origin: germline.

NM_144596.4(TTC8):c.669G>A (p.Lys223=)

Gene: TTC8 (tetratricopeptide repeat domain 8; plus strand). Cytogenetic location: 14q31.3.
Variant type: single nucleotide variant.
Coding change: c.669G>A on transcript NM_144596.4 (MANE Select); coding-DNA position 669, G replaced by A.
Protein change: p.Lys223=; no amino-acid change (lysine 223 retained).
Molecular consequence: synonymous variant. On other transcripts: 5 prime UTR variant (1), non-coding transcript variant (1).
Genome position (GRCh38, 1-based): chr14:88,853,015, G>A. VCF-style: chr14-88853015-G-A. GRCh37 (hg19) VCF-style: chr14-89319359-G-A.
Other names: p.Lys213=; c.717G>A, p.Lys239= (NM_001288781.1); c.75G>A, p.Lys25= (NM_001288782.1); c.-49G>A (NM_001288783.1); c.639G>A, p.Lys213= (NM_001366535.2, NM_198309.3); c.549G>A, p.Lys183= (NM_001366536.2, NM_198310.3).
Identifiers: ClinVar variation 262517 (VCV000262517.52), dbSNP rs141304350, ClinGen allele CA7302555.